The following is an entry in ClinVar:

ClinVar aggregate classification (germline): Pathogenic (1 of 4 stars; one submission).

Submission:

CeGaT Center for Human Genetics Tuebingen
Classification: Pathogenic. Last evaluated: 2024-02-01. Review status: criteria provided, single submitter. Criteria: CeGaT Center For Human Genetics Tuebingen Variant Classification Criteria Version 2. Collection method: clinical testing. Allele origin: germline. Affected: yes. Observed: 1 variant allele.
Comment: OTOG: PVS1, PM2

NM_001292063.2(OTOG):c.906G>A (p.Trp302Ter)

Gene: OTOG (otogelin; plus strand). Cytogenetic location: 11p15.1.
Variant type: single nucleotide variant.
Coding change: c.906G>A on transcript NM_001292063.2 (MANE Select); coding-DNA position 906, G replaced by A.
Protein change: p.Trp302Ter; replaces tryptophan 302 with a stop codon.
Molecular consequence: nonsense.
Genome position (GRCh38, 1-based): chr11:17,558,225, G>A. VCF-style: chr11-17558225-G-A. GRCh37 (hg19) VCF-style: chr11-17579772-G-A.
Other names: c.942G>A, p.Trp314Ter (NM_001277269.2); short protein forms W302*, W314*.
Identifiers: ClinVar variation 3027148 (VCV003027148.22), dbSNP rs2497379479, ClinGen allele CA379814387.
Genomic context (GRCh38, chr11:17,558,225, plus strand): 5'-ATGTCAGCTCCCTCCTCCAGGGAAGCTGACTGACGACGTGGTTGAGTTTGTGCACAGCTG[G>A]CAGGAGCAGGCCCCTAACCAGCCTCCAGGGCCCACAACTTCCTCCCTGCCTCGCCCACCG-3'